The following is an entry in ClinVar:

NM_138272.3(MPIG6B):c.542-9C>G

Gene: MPIG6B (megakaryocyte and platelet inhibitory receptor G6b; plus strand). Cytogenetic location: 6p21.33.
Variant type: single nucleotide variant.
Coding change: c.542-9C>G on transcript NM_138272.3 (MANE Select); 9 bases into the intron before coding-DNA position 542, C replaced by G.
Molecular consequence: intron variant. On other transcripts: synonymous variant (3), missense variant (1).
Genome position (GRCh38, 1-based): chr6:31,724,756, C>G. VCF-style: chr6-31724756-C-G. GRCh37 (hg19) VCF-style: chr6-31692533-C-G.
Other names: p.Pro184=; c.552C>G, p.Pro184= (NM_025260.4, NM_138277.3); c.461C>G, p.Pro154Arg (NM_138273.3); c.420C>G, p.Pro140= (NM_138274.3); c.410-9C>G (NM_138275.3); c.552C>G (NM_025260.3); short protein forms P154R.
Identifiers: ClinVar variation 2634272 (VCV002634272.2), dbSNP rs374895705, ClinGen allele CA3720412.

ClinVar aggregate classification (germline): Uncertain significance. Review status: criteria provided, multiple submitters, no conflicts (2 of 4 stars). 2 submissions from 2 submitters: Uncertain significance (2). Last evaluated 2024-01-11.

Conditions:
MPIG6B-related disorder. Also called: MPIG6B-related condition.

Allele frequency attached by ClinVar (database versions not stated): 1000 Genomes Project 30x 0.00016; 1000 Genomes Project 0.00020.
gnomAD v4.1: 42 of 1,614,070 alleles (0.0026%); highest among the groups gnomAD compares: Middle Eastern, 0.033%; 1 homozygote.

Submissions (2):

Mayo Clinic Laboratories, Mayo Clinic
Classification: Uncertain significance. Last evaluated: 2024-01-11. Review status: criteria provided, single submitter. Criteria: ACMG Guidelines, 2015. Collection method: clinical testing. Allele origin: germline. Observed: 1 variant allele.

PreventionGenetics, part of Exact Sciences
Classification: Uncertain significance for MPIG6B-related condition. Last evaluated: 2022-09-13. Review status: criteria provided, single submitter. Criteria: ACMG Guidelines, 2015. Collection method: clinical testing. Allele origin: germline.
Comment: The MPIG6B c.461C>G variant is predicted to result in the amino acid substitution p.Pro154Arg. This variant corresponds to a silent change in the primary transcript of this gene (NM_025260:c.552C>G, p.=). To our knowledge, this variant has not been reported in the literature. This variant is reported in 0.039% of alleles in individuals of South Asian descent in gnomAD. At this time, the clinical significance of this variant is uncertain due to the absence of conclusive functional and genetic evidence.